The following is an entry in ClinVar:

NM_198123.2(CSMD3):c.10375T>G (p.Trp3459Gly)

Gene: CSMD3 (CUB and Sushi multiple domains 3; minus strand). Cytogenetic location: 8q23.3.
Variant type: single nucleotide variant.
Coding change: c.10375T>G on transcript NM_198123.2 (MANE Select); coding-DNA position 10375, T replaced by G.
Protein change: p.Trp3459Gly; replaces tryptophan 3459 with glycine.
Molecular consequence: missense variant.
Genome position (GRCh38, 1-based): chr8:112,244,421, A>C on the plus strand (T>G on the coding strand, the complement: CSMD3 is on the minus strand). VCF-style: chr8-112244421-A-C. GRCh37 (hg19) VCF-style: chr8-113256650-A-C.
Other names: c.9775T>G, p.Trp3259Gly (NM_001363185.1); c.9868T>G, p.Trp3290Gly (NM_052900.3); c.10255T>G, p.Trp3419Gly (NM_198124.2); short protein forms W3259G, W3459G, W3290G, W3419G.
Identifiers: ClinVar variation 4978617 (VCV004978617.1).
Genomic context (GRCh38, chr8:112,244,421, plus strand): 5'-TTGTGTTAAAAAGATTCTATAGAGAAAACTTACCTTCACAAATGGGAACTTTTCCAGTCC[A>C]GGTGTTATCGGATCTACACACTCTATGTTCTGTTCCACCTGCTAAGAAGAAGCCAGGCTG-3'
Protein context (NP_937756.1, residues 3449-3469): EHRVCRSDNT[Trp3459Gly]TGKVPICEAG

ClinVar aggregate classification (germline): Uncertain significance (1 of 4 stars; one submission).

Conditions:
CSMD3-related disorder. Also called: CSMD3-related condition.

Submission:

PreventionGenetics, part of Exact Sciences
Classification: Uncertain significance for CSMD3-related condition. Last evaluated: 2025-04-23. Review status: criteria provided, single submitter. Criteria: ACMG Guidelines, 2015. Collection method: clinical testing. Allele origin: germline.
Comment: The CSMD3 c.10375T>G variant is predicted to result in the amino acid substitution p.Trp3459Gly. To our knowledge, this variant has not been reported in the literature or in a large population database (gnomAD), indicating this variant is rare. At this time, the clinical significance of this variant is uncertain due to the absence of conclusive functional and genetic evidence.